The following is an entry in ClinVar:

NM_014249.4(NR2E3):c.593C>T (p.Thr198Ile)

Gene: NR2E3 (nuclear receptor subfamily 2 group E member 3; plus strand). Cytogenetic location: 15q23.
Variant type: single nucleotide variant.
Coding change: c.593C>T on transcript NM_014249.4 (MANE Select); coding-DNA position 593, C replaced by T.
Protein change: p.Thr198Ile; replaces threonine 198 with isoleucine.
Molecular consequence: missense variant.
Genome position (GRCh38, 1-based): chr15:71,812,357, C>T. VCF-style: chr15-71812357-C-T. GRCh37 (hg19) VCF-style: chr15-72104697-C-T.
Other names: c.593C>T, p.Thr198Ile (NM_016346.4); short protein forms T198I.
Identifiers: ClinVar variation 1720962 (VCV001720962.5), dbSNP rs1406443586, ClinGen allele CA393035105.

ClinVar aggregate classification (germline): Uncertain significance (1 of 4 stars; one submission).

Allele frequency attached by ClinVar (database versions not stated): gnomAD exomes below 0.00001; TOPMed below 0.00001.
gnomAD v4.1: 1 of 1,613,938 alleles (0.000062%); highest among the groups gnomAD compares: East Asian, 0.0022%; no homozygotes.

Submission:

Labcorp Genetics (formerly Invitae), Labcorp
Classification: Uncertain significance. Last evaluated: 2024-01-08. Review status: criteria provided, single submitter. Criteria: Invitae Variant Classification Sherloc (09022015). Collection method: clinical testing. Allele origin: germline.
Comment: This sequence change replaces threonine, which is neutral and polar, with isoleucine, which is neutral and non-polar, at codon 198 of the NR2E3 protein (p.Thr198Ile). This variant is not present in population databases (gnomAD no frequency). This variant has not been reported in the literature in individuals affected with NR2E3-related conditions. ClinVar contains an entry for this variant (Variation ID: 1720962). Advanced modeling of protein sequence and biophysical properties (such as structural, functional, and spatial information, amino acid conservation, physicochemical variation, residue mobility, and thermodynamic stability) performed at Invitae indicates that this missense variant is not expected to disrupt NR2E3 protein function with a negative predictive value of 80%. In summary, the available evidence is currently insufficient to determine the role of this variant in disease. Therefore, it has been classified as a Variant of Uncertain Significance.